The following is an entry in ClinVar:

ClinVar aggregate classification (germline): Uncertain significance. Review status: criteria provided, multiple submitters, no conflicts (2 of 4 stars). 3 submissions from 3 submitters: Uncertain significance (3). Last evaluated 2024-02-28.

Conditions:
RYR1-related disorder. Also called: RYR1-related disorders; RYR1-related condition. Identifiers: MedGen CN239331.

Allele frequency attached by ClinVar (database versions not stated): gnomAD exomes below 0.00001.
gnomAD v4.1: 4 of 1,614,166 alleles (0.00025%); highest among the groups gnomAD compares: Non-Finnish European, 0.00025%; no homozygotes.

Submissions (3):

Women's Health and Genetics/Laboratory Corporation of America, LabCorp
Classification: Uncertain significance. Last evaluated: 2024-02-28. Review status: criteria provided, single submitter. Criteria: LabCorp Variant Classification Summary - May 2015. Collection method: clinical testing. Allele origin: germline.
Comment: Variant summary: RYR1 c.12394C>G (p.Gln4132Glu) results in a conservative amino acid change in the encoded protein sequence. Four of five in-silico tools predict a benign effect of the variant on protein function. The variant allele was found at a frequency of 4e-06 in 251046 control chromosomes (gnomAD). The available data on variant occurrences in the general population are insufficient to allow any conclusion about variant significance. To our knowledge, no occurrence of c.12394C>G in individuals affected with RYR1-Associated Myopathy or other RYR1-related disorders and no experimental evidence demonstrating its impact on protein function have been reported. ClinVar contains an entry for this variant (Variation ID: 942884). Based on the evidence outlined above, the variant was classified as uncertain significance.

Revvity Omics, Revvity
Classification: Uncertain significance. Last evaluated: 2021-01-20. Review status: criteria provided, single submitter. Criteria: ACMG Guidelines, 2015. Collection method: clinical testing. Allele origin: germline.

Labcorp Genetics (formerly Invitae), Labcorp
Classification: Uncertain significance for RYR1-related disorder. Last evaluated: 2020-05-06. Review status: criteria provided, single submitter. Criteria: Invitae Variant Classification Sherloc (09022015). Collection method: clinical testing. Allele origin: germline.
Comment: Algorithms developed to predict the effect of missense changes on protein structure and function output the following: SIFT: "Deleterious"; PolyPhen-2: "Benign"; Align-GVGD: "Class C0". The glutamic acid amino acid residue is found in multiple mammalian species, suggesting that this missense change does not adversely affect protein function. These predictions have not been confirmed by published functional studies and their clinical significance is uncertain. This variant has not been reported in the literature in individuals with RYR1-related conditions. This variant is not present in population databases (ExAC no frequency). This sequence change replaces glutamine with glutamic acid at codon 4132 of the RYR1 protein (p.Gln4132Glu). The glutamine residue is moderately conserved and there is a small physicochemical difference between glutamine and glutamic acid. In summary, the available evidence is currently insufficient to determine the role of this variant in disease. Therefore, it has been classified as a Variant of Uncertain Significance.

NM_000540.3(RYR1):c.12394C>G (p.Gln4132Glu)

Gene: RYR1 (ryanodine receptor 1; plus strand). Cytogenetic location: 19q13.2.
Variant type: single nucleotide variant.
Coding change: c.12394C>G on transcript NM_000540.3 (MANE Select); coding-DNA position 12394, C replaced by G.
Protein change: p.Gln4132Glu; replaces glutamine 4132 with glutamic acid.
Molecular consequence: missense variant.
Genome position (GRCh38, 1-based): chr19:38,561,224, C>G. VCF-style: chr19-38561224-C-G. GRCh37 (hg19) VCF-style: chr19-39051864-C-G.
Other names: c.12379C>G, p.Gln4127Glu (NM_001042723.2); short protein forms Q4127E, Q4132E.
Identifiers: ClinVar variation 942884 (VCV000942884.14), dbSNP rs1317236359, ClinGen allele CA405668603.